The following is an entry in ClinVar:

ClinVar aggregate classification (germline): Pathogenic. Review status: criteria provided, multiple submitters, no conflicts (2 of 4 stars). 5 submissions from 4 submitters: Pathogenic (2). 3 of the submissions do not count toward it. Last evaluated 2021-04-20.

Conditions:
Zimmermann-Laband syndrome 1 (ZLS1). Identifiers: Orphanet 3473, MedGen C4551773, MONDO:0024526, OMIM 135500.
Temple-Baraitser syndrome (TMBTS). Also called: Severe mental retardation and absent nails of hallux and pollex. Identifiers: Orphanet 420561, MedGen C2678486, MONDO:0012735, OMIM 611816.

Submissions (5):

Revvity Omics, Revvity
Classification: Pathogenic. Last evaluated: 2021-04-20. Review status: criteria provided, single submitter. Criteria: ACMG Guidelines, 2015. Collection method: clinical testing. Allele origin: germline.

Equipe Genetique des Anomalies du Developpement, Université de Bourgogne
Classification: Pathogenic for Temple-Baraitser syndrome; Zimmermann-Laband syndrome 1. Last evaluated: 2017-08-04. Review status: criteria provided, single submitter. Criteria: ACMG Guidelines, 2015. Collection method: clinical testing. Allele origin: de novo. Affected: yes. Study: Clinvar_gadteam_Clinical_exome_analysis_3.

OMIM
Classification: Pathogenic for ZIMMERMANN-LABAND SYNDROME 1. Last evaluated: 2015-06-01. Review status: no assertion criteria provided. Collection method: literature only. Allele origin: germline. Not counted in ClinVar's aggregate classification.

OMIM
Classification: Pathogenic for TEMPLE-BARAITSER SYNDROME. Last evaluated: 2015-01-01. Review status: no assertion criteria provided. Collection method: literature only. Allele origin: germline. Not counted in ClinVar's aggregate classification.

Reparto di Fisiopatologia delle Malattie Genetiche, Dipartimento di Ematologia, Oncologia; Istituto Superiore di Sanità
Classification: Pathogenic for Laband syndrome. Review status: no assertion criteria provided. Collection method: not provided. Allele origin: de novo. Not counted in ClinVar's aggregate classification.
Comment: Genomic DNA was isolated from peripheral blood leukocytes.
ClinVar note: Converted during submission from pathogenic to Pathogenic.

Literature cited by the submitters: PubMed 25915598 (cited by OMIM); PubMed 25420144 (cited by OMIM); PubMed 20683999 (cited by OMIM); PubMed 24357613 (cited by OMIM).

NM_172362.3(KCNH1):c.1480A>G (p.Ile494Val)

Gene: KCNH1 (potassium voltage-gated channel subfamily H member 1; minus strand). Cytogenetic location: 1q32.2.
Variant type: single nucleotide variant.
Coding change: c.1480A>G on transcript NM_172362.3 (MANE Select); coding-DNA position 1480, A replaced by G.
Protein change: p.Ile494Val; replaces isoleucine 494 with valine.
Molecular consequence: missense variant.
Genome position (GRCh38, 1-based): chr1:210,804,149, T>C on the plus strand (A>G on the coding strand, the complement: KCNH1 is on the minus strand). VCF-style: chr1-210804149-T-C. GRCh37 (hg19) VCF-style: chr1-210977491-T-C.
Other names: c.1399A>G, p.Ile467Val (NM_002238.4); short protein forms I494V, I467V.
Identifiers: ClinVar variation 162520 (VCV000162520.7), dbSNP rs727502819, ClinGen allele CA215045.